The following is an entry in ClinVar:

NM_001242896.3(DEPDC5):c.2055C>A (p.Phe685Leu)

Gene: DEPDC5 (DEP domain containing 5, GATOR1 subcomplex subunit; plus strand). Cytogenetic location: 22q12.3.
Variant type: single nucleotide variant.
Coding change: c.2055C>A on transcript NM_001242896.3 (MANE Select); coding-DNA position 2055, C replaced by A.
Protein change: p.Phe685Leu; replaces phenylalanine 685 with leucine.
Molecular consequence: missense variant. On other transcripts: non-coding transcript variant (4), intron variant (3).
Genome position (GRCh38, 1-based): chr22:31,822,741, C>A. VCF-style: chr22-31822741-C-A. GRCh37 (hg19) VCF-style: chr22-32218727-C-A.
Other names: p.Phe685Leu; c.2055C>A, p.Phe685Leu (NM_001136029.4, NM_001363852.2, NM_001364318.2 and 3 more transcripts); c.1971C>A, p.Phe657Leu (NM_001369901.1, NM_001369902.1); c.1870+3516C>A (NM_001363854.2, NM_001242897.2, NM_001364319.2); short protein forms F685L, F657L.
Identifiers: ClinVar variation 238674 (VCV000238674.44), dbSNP rs61731667, ClinGen allele CA10196554.
Genomic context (GRCh38, chr22:31,822,741, plus strand): 5'-TGTTCTCTGCAGGCACAGCAATTCCCGCCAGCCTGGTGACGGCATGTCCTTCTTGAACTT[C>A]AGTGGAACAGAGGAGCTTTCTGTCGGCCTGCTTAGCAACAGTGGTGCAGGTAACCAATCC-3'
Protein context (NP_001229825.1, residues 675-695): QPGDGMSFLN[Phe685Leu]SGTEELSVGL

ClinVar aggregate classification (germline): Benign. Review status: criteria provided, multiple submitters, no conflicts (2 of 4 stars). 10 submissions from 10 submitters: Benign (8). 2 of the submissions do not count toward it. Last evaluated 2026-10-01.

Conditions:
Familial focal epilepsy with variable foci (FPEVF). Identifiers: Orphanet 98820, MedGen C1858477, MONDO:0020310.
Inborn genetic diseases. Identifiers: MedGen C0950123, MeSH D030342.

Allele frequency attached by ClinVar (database versions not stated): 1000 Genomes Project 30x 0.00874; 1000 Genomes Project 0.00919; TOPMed 0.01360; ESP Exome Variant Server 0.01482.
gnomAD v4.1: 28,832 of 1,614,068 alleles (1.8%); highest among the groups gnomAD compares: South Asian, 2.2%; 288 homozygotes.

Submissions (10):

CeGaT Center for Human Genetics Tuebingen
Classification: Benign. Last evaluated: 2026-10-01. Review status: criteria provided, single submitter. Criteria: CeGaT Center For Human Genetics Tuebingen Variant Classification Criteria Version 2. Collection method: clinical testing. Allele origin: germline. Affected: yes. Observed: 97 variant alleles.
Comment: DEPDC5: BS1, BS2

Labcorp Genetics (formerly Invitae), Labcorp
Classification: Benign for Familial focal epilepsy with variable foci. Last evaluated: 2026-02-04. Review status: criteria provided, single submitter. Criteria: Invitae Variant Classification Sherloc (09022015). Collection method: clinical testing. Allele origin: germline.

GeneDx
Classification: Benign. Last evaluated: 2019-08-02. Review status: criteria provided, single submitter. Criteria: GeneDx Variant Classification Process June 2021. Collection method: clinical testing. Allele origin: germline. Affected: yes.

Mayo Clinic Laboratories, Mayo Clinic
Classification: Benign. Last evaluated: 2019-03-25. Review status: criteria provided, single submitter. Criteria: ACMG Guidelines, 2015. Collection method: clinical testing. Allele origin: germline. Observed: 17 variant alleles.

Athena Diagnostics
Classification: Benign. Last evaluated: 2018-05-07. Review status: criteria provided, single submitter. Criteria: Athena Diagnostics Criteria. Collection method: clinical testing. Allele origin: germline.

Ambry Genetics
Classification: Benign for Inborn genetic diseases. Last evaluated: 2016-04-27. Review status: criteria provided, single submitter. Criteria: Ambry Variant Classification Scheme 2023. Collection method: clinical testing. Allele origin: germline.

Breakthrough Genomics
Classification: Benign. Review status: criteria provided, single submitter. Criteria: ACMG Guidelines, 2015. Collection method: not provided. Allele origin: germline. Inheritance: Autosomal dominant inheritance. Affected: yes.

PreventionGenetics, part of Exact Sciences
Classification: Benign. Review status: criteria provided, single submitter. Criteria: ACMG Guidelines, 2015. Collection method: clinical testing. Allele origin: germline.

Genome Diagnostics Laboratory, University Medical Center Utrecht
Classification: Benign. Review status: no assertion criteria provided. Collection method: clinical testing. Allele origin: germline. Affected: yes. Study: VKGL Data-share Consensus. Not counted in ClinVar's aggregate classification.

Laboratory of Diagnostic Genome Analysis, Leiden University Medical Center (LUMC)
Classification: Likely benign. Review status: no assertion criteria provided. Collection method: clinical testing. Allele origin: germline. Affected: yes. Study: VKGL Data-share Consensus. Not counted in ClinVar's aggregate classification.